The following is an entry in ClinVar:

NC_000007.13:g.(?_105173265)_(105207764_?)dup

Gene: RINT1 (RAD50 interactor 1; plus strand). Cytogenetic location: 7q22.3.
Variant type: Duplication.
Identifiers: ClinVar variation 1000453 (VCV001000453.5).

ClinVar aggregate classification (germline): Uncertain significance (1 of 4 stars; one submission).

Submission:

Labcorp Genetics (formerly Invitae), Labcorp
Classification: Uncertain significance. Last evaluated: 2018-01-24. Review status: criteria provided, single submitter. Criteria: Invitae Variant Classification Sherloc (09022015). Collection method: clinical testing. Allele origin: germline.
Comment: In summary, the available evidence is currently insufficient to determine the role of this variant in disease. Therefore, it has been classified as a Variant of Uncertain Significance. This variant has not been reported in the literature in individuals with RINT1-related disease. This variant is a copy number gain of the genomic region encompassing exons 2-15 of the RINT1 gene. The 5' boundary is likely confined to intron 1. The 3' end of this event is unknown as it extends beyond the assayed region for this gene and therefore may encompass additional genes. The exact location of this variant in the genome is unknown.